The following is an entry in ClinVar:

ClinVar aggregate classification (germline): Likely benign. Review status: criteria provided, multiple submitters, no conflicts (2 of 4 stars). 3 submissions from 3 submitters: Likely benign (3). Last evaluated 2025-08-19.

Conditions:
FANCC-related disorder. Also called: FANCC-related condition.

Allele frequency attached by ClinVar (database versions not stated): ExAC 0.00006; gnomAD exomes 0.00006.
gnomAD v4.1: 89 of 1,552,654 alleles (0.0057%); highest among the groups gnomAD compares: Non-Finnish European, 0.0072%; no homozygotes.

Submissions (3):

PreventionGenetics, part of Exact Sciences
Classification: Likely benign for FANCC-related condition. Last evaluated: 2025-08-19. Review status: criteria provided, single submitter. Criteria: ACMG Guidelines, 2015. Collection method: clinical testing. Allele origin: germline.
Comment: This variant is classified as likely benign based on ACMG/AMP sequence variant interpretation guidelines (Richards et al. 2015 PMID: 25741868, with internal and published modifications).

Blueprint Genetics
Classification: Likely benign. Last evaluated: 2024-05-14. Review status: criteria provided, single submitter. Criteria: ACMG Guidelines, 2015. Collection method: clinical testing. Allele origin: germline.

CeGaT Center for Human Genetics Tuebingen
Classification: Likely benign. Last evaluated: 2023-06-01. Review status: criteria provided, single submitter. Criteria: CeGaT Center For Human Genetics Tuebingen Variant Classification Criteria Version 2. Collection method: clinical testing. Allele origin: germline. Affected: yes. Observed: 1 variant allele.
Comment: FANCC: BP4, BP7

NM_000136.3(FANCC):c.1329+192C>T

Genes: AOPEP (aminopeptidase O (putative); plus strand), FANCC (FA complementation group C; minus strand). Cytogenetic location: 9q22.32.
Variant type: single nucleotide variant.
Coding change: c.1329+192C>T on transcript NM_000136.3 (MANE Select); 192 bases into the intron after coding-DNA position 1329, C replaced by T.
Molecular consequence: intron variant. On other transcripts: synonymous variant (1).
Genome position (GRCh38, 1-based): chr9:95,111,271, G>A on the plus strand (C>T on the coding strand, the complement: FANCC is on the minus strand). VCF-style: chr9-95111271-G-A. GRCh37 (hg19) VCF-style: chr9-97873553-G-A.
Other names: c.1404C>T (NM_001243744.1); c.1404C>T, p.Thr468= (NM_001243744.2); c.1329+192C>T (NM_001243743.2).
Identifiers: ClinVar variation 2659322 (VCV002659322.26), dbSNP rs752638479, ClinGen allele CA5137365.
Genomic context (GRCh38, chr9:95,111,271, plus strand): 5'-GAAGAAGGGTCTTCGTTTTGCAGGAGAATGGGCTGGCAGCGTCTCGTCTCTGGCCACCTC[G>A]GTGGGGACAGGAGAACGCCTCTGACCACAAGGCTGGAGATCACCATGCCTGCAGGTTGCC-3'